The following is an entry in ClinVar:

ClinVar aggregate classification (germline): Uncertain significance (1 of 4 stars; one submission).

Conditions:
Distal hereditary motor neuropathy type 2. Identifiers: Orphanet 139525, MedGen C3711384, MeSH C580044, MONDO:0015352.

Submission:

Labcorp Genetics (formerly Invitae), Labcorp
Classification: Uncertain significance for Distal hereditary motor neuropathy type 2. Last evaluated: 2019-07-22. Review status: criteria provided, single submitter. Criteria: Invitae Variant Classification Sherloc (09022015). Collection method: clinical testing. Allele origin: germline.
Comment: Algorithms developed to predict the effect of missense changes on protein structure and function output the following: SIFT: "Tolerated"; PolyPhen-2: "Benign"; Align-GVGD: "Class C0". The asparagine amino acid residue is found in multiple mammalian species, suggesting that this missense change does not adversely affect protein function. These predictions have not been confirmed by published functional studies and their clinical significance is uncertain. In summary, the available evidence is currently insufficient to determine the role of this variant in disease. Therefore, it has been classified as a Variant of Uncertain Significance. This sequence change replaces serine with asparagine at codon 972 of the FBXO38 protein (p.Ser972Asn). The serine residue is moderately conserved and there is a small physicochemical difference between serine and asparagine. This variant is not present in population databases (ExAC no frequency). This variant has not been reported in the literature in individuals with FBXO38-related conditions.

NM_205836.3(FBXO38):c.3140G>A (p.Ser1047Asn)

Gene: FBXO38 (F-box protein 38; plus strand). Cytogenetic location: 5q32.
Variant type: single nucleotide variant.
Coding change: c.3140G>A on transcript NM_205836.3 (MANE Select); coding-DNA position 3140, G replaced by A.
Protein change: p.Ser1047Asn; replaces serine 1047 with asparagine.
Molecular consequence: missense variant.
Genome position (GRCh38, 1-based): chr5:148,439,762, G>A. VCF-style: chr5-148439762-G-A. GRCh37 (hg19) VCF-style: chr5-147819325-G-A.
Other names: c.2405G>A, p.Ser802Asn (NM_001271723.2); c.2915G>A, p.Ser972Asn (NM_030793.5); short protein forms S802N, S972N, S1047N.
Identifiers: ClinVar variation 952753 (VCV000952753.11), dbSNP rs1208732580, ClinGen allele CA361660913.